The following is an entry in ClinVar:

ClinVar aggregate classification (germline): Conflicting classifications of pathogenicity. Review status: criteria provided, conflicting classifications (1 of 4 stars). 2 submissions from 2 submitters: Likely pathogenic (1); Uncertain significance (1). Last evaluated 2025-02-10.

Conditions:
BEST1-related disorder. Also called: BEST1-related condition; BEST1-related disorders. Identifiers: MedGen CN239200.

Submissions (2):

Labcorp Genetics (formerly Invitae), Labcorp
Classification: Uncertain significance. Last evaluated: 2025-02-10. Review status: criteria provided, single submitter. Criteria: Invitae Variant Classification Sherloc (09022015). Collection method: clinical testing. Allele origin: germline.
Comment: This sequence change replaces leucine, which is neutral and non-polar, with phenylalanine, which is neutral and non-polar, at codon 217 of the BEST1 protein (p.Leu217Phe). This variant is not present in population databases (gnomAD no frequency). This missense change has been observed in individual(s) with BEST1-related conditions (PMID: 17296903). This variant is also known as 738G>T in VMD2. ClinVar contains an entry for this variant (Variation ID: 2137115). Invitae Evidence Modeling of protein sequence and biophysical properties (such as structural, functional, and spatial information, amino acid conservation, physicochemical variation, residue mobility, and thermodynamic stability) has been performed for this missense variant. However, the output from this modeling did not meet the statistical confidence thresholds required to predict the impact of this variant on BEST1 protein function. In summary, the available evidence is currently insufficient to determine the role of this variant in disease. Therefore, it has been classified as a Variant of Uncertain Significance.

Blueprint Genetics
Classification: Likely pathogenic for BEST1-related disorders. Last evaluated: 2019-10-04. Review status: criteria provided, single submitter. Criteria: ACMG Guidelines, 2015. Collection method: clinical testing. Allele origin: germline. Affected: yes. Observed: 1 variant allele.

Literature cited by the submitters: PubMed 17296903 (cited by Labcorp Genetics (formerly Invitae), Labcorp).

NM_004183.4(BEST1):c.651G>T (p.Leu217Phe)

Gene: BEST1 (bestrophin 1; plus strand). Cytogenetic location: 11q12.3.
Variant type: single nucleotide variant.
Coding change: c.651G>T on transcript NM_004183.4 (MANE Select); coding-DNA position 651, G replaced by T.
Protein change: p.Leu217Phe; replaces leucine 217 with phenylalanine.
Molecular consequence: missense variant. On other transcripts: non-coding transcript variant (1).
Genome position (GRCh38, 1-based): chr11:61,957,401, G>T. VCF-style: chr11-61957401-G-T. GRCh37 (hg19) VCF-style: chr11-61724873-G-T.
Other names: c.471G>T, p.Leu157Phe (NM_001139443.3, NM_001300786.2, NM_001300787.2); c.333G>T, p.Leu111Phe (NM_001363591.3); c.651G>T, p.Leu217Phe (NM_001363592.2); c.-525G>T (NM_001363593.3); short protein forms L111F, L157F, L217F.
Identifiers: ClinVar variation 2137115 (VCV002137115.5), dbSNP rs2541377288, ClinGen allele CA380838384.